The following is an entry in ClinVar:

NM_181458.4(PAX3):c.178G>A (p.Val60Met)

Gene: PAX3 (paired box 3; minus strand). Cytogenetic location: 2q36.1.
Variant type: single nucleotide variant.
Coding change: c.178G>A on transcript NM_181458.4 (MANE Select); coding-DNA position 178, G replaced by A.
Protein change: p.Val60Met; replaces valine 60 with methionine.
Molecular consequence: missense variant.
Genome position (GRCh38, 1-based): chr2:222,297,121, C>T on the plus strand (G>A on the coding strand, the complement: PAX3 is on the minus strand). VCF-style: chr2-222297121-C-T. GRCh37 (hg19) VCF-style: chr2-223161840-C-T.
Other names: c.178G>A, p.Val60Met (NM_000438.6, NM_001127366.3, NM_013942.5 and 4 more transcripts); short protein forms V60M.
Identifiers: ClinVar variation 3337438 (VCV003337438.4).

ClinVar aggregate classification (germline): Likely pathogenic. Review status: criteria provided, multiple submitters, no conflicts (2 of 4 stars). 4 submissions from 4 submitters: Likely pathogenic (4). Last evaluated 2024-07-18.

Conditions:
PAX3-related disorder. Also called: PAX3-related condition.
Waardenburg syndrome type 1 (WS1). Also called: WAARDENBURG SYNDROME WITH DYSTOPIA CANTHORUM; Waardenburg Syndrome Type I. Identifiers: Orphanet 894, MedGen C1847800, MONDO:0008670, OMIM 193500.

gnomAD v4.1: 1 of 1,613,368 alleles (0.000062%); highest among the groups gnomAD compares: Non-Finnish European, 0.000085%; no homozygotes.

Submissions (4):

3billion
Classification: Likely pathogenic for Waardenburg syndrome type 1. Last evaluated: 2024-07-18. Review status: criteria provided, single submitter. Criteria: ACMG Guidelines, 2015. Collection method: clinical testing. Allele origin: germline. Affected: yes.

Clinical Genetics Laboratory, Skane University Hospital Lund
Classification: Likely pathogenic. Last evaluated: 2023-07-05. Review status: criteria provided, single submitter. Criteria: ACMG Guidelines, 2015. Collection method: clinical testing. Allele origin: germline. Affected: yes.

Blueprint Genetics
Classification: Likely pathogenic for PAX3-related disorders. Last evaluated: 2023-05-31. Review status: criteria provided, single submitter. Criteria: ACMG Guidelines, 2015. Collection method: clinical testing. Allele origin: germline. Affected: yes. Observed: 1 variant allele.

Juno Genomics, Hangzhou Juno Genomics, Inc
Classification: Likely pathogenic for Waardenburg syndrome type 1. Review status: criteria provided, single submitter. Criteria: ACMG Guidelines, 2015. Collection method: clinical testing. Allele origin: germline. Affected: yes.
Comment: Absent from controls (or at extremely low frequency if recessive) in Genome Aggregation Database, Exome Sequencing Project, 1000 Genomes Project, or Exome Aggregation Consortium.;Multiple lines of computational evidence support a deleterious effect on the gene or gene product (conservation, evolutionary, splicing impact, etc).;The prevalence of the variant in affected individuals is significantly increased compared to the prevalence in controls.;Assumed de novo, but without confirmation of paternity and maternity.;Novel missense change at an amino acid residue where a different missense change determined to be pathogenic has been seen before.

Literature cited by the submitters: PubMed 8533800 (cited by 3billion).